The following is an entry in ClinVar:

NM_001009944.3(PKD1):c.1745G>A (p.Arg582His)

Gene: PKD1 (polycystin 1, transient receptor potential channel interacting; minus strand). Cytogenetic location: 16p13.3.
Variant type: single nucleotide variant.
Coding change: c.1745G>A on transcript NM_001009944.3 (MANE Select); coding-DNA position 1745, G replaced by A.
Protein change: p.Arg582His; replaces arginine 582 with histidine.
Molecular consequence: missense variant.
Genome position (GRCh38, 1-based): chr16:2,116,096, C>T on the plus strand (G>A on the coding strand, the complement: PKD1 is on the minus strand). VCF-style: chr16-2116096-C-T. GRCh37 (hg19) VCF-style: chr16-2166097-C-T.
Other names: c.1745G>A, p.Arg582His (NM_000296.4); short protein forms R582H.
Identifiers: ClinVar variation 2580747 (VCV002580747.2), dbSNP rs541222739, ClinGen allele CA7833403.
Genomic context (GRCh38, chr16:2,116,096, plus strand): 5'-GGCCGCCGGAGCTCCTGGGTCCCAAATTCGGCCGTGGTGAGGAAGGCTTCACGGCTCAGA[C>T]GCAGGCCCGGGAATACCATGACCTGGTGGGCAGGGGGCCGCCTCAGCTCCACAGACCCCA-3'
Protein context (NP_001009944.3, residues 572-592): PVEVMVFPGL[Arg582His]LSREAFLTTA

ClinVar aggregate classification (germline): Conflicting classifications of pathogenicity. Review status: criteria provided, conflicting classifications (1 of 4 stars). 2 submissions from 2 submitters: Uncertain significance (1); Likely benign (1). Last evaluated 2024-10-23.

Allele frequency attached by ClinVar (database versions not stated): ExAC 0.00013; TOPMed 0.00015; 1000 Genomes Project 30x 0.00016; gnomAD 0.00019; 1000 Genomes Project 0.00020.
gnomAD v4.1: 84 of 1,546,552 alleles (0.0054%); highest among the groups gnomAD compares: African/African-American, 0.066%; no homozygotes.

Submissions (2):

Blueprint Genetics
Classification: Likely benign. Last evaluated: 2024-10-23. Review status: criteria provided, single submitter. Criteria: ACMG Guidelines, 2015. Collection method: clinical testing. Allele origin: germline.

GeneDx
Classification: Uncertain significance. Last evaluated: 2023-03-20. Review status: criteria provided, single submitter. Criteria: GeneDx Variant Classification Process June 2021. Collection method: clinical testing. Allele origin: germline. Affected: yes.
Comment: In silico analysis supports that this missense variant does not alter protein structure/function; Has not been previously published as pathogenic or benign to our knowledge